The following is an entry in ClinVar:

NM_001101.5(ACTB):c.123+1G>A

Gene: ACTB (actin beta; minus strand). Cytogenetic location: 7p22.1.
Variant type: single nucleotide variant.
Coding change: c.123+1G>A on transcript NM_001101.5 (MANE Select); the canonical splice donor site of the intron after coding-DNA position 123, G replaced by A.
Molecular consequence: splice donor variant.
Genome position (GRCh38, 1-based): chr7:5,529,534, C>T on the plus strand (G>A on the coding strand, the complement: ACTB is on the minus strand). VCF-style: chr7-5529534-C-T. GRCh37 (hg19) VCF-style: chr7-5569165-C-T.
Identifiers: ClinVar variation 203375 (VCV000203375.2), dbSNP rs794729643, ClinGen allele CA213315.

ClinVar aggregate classification (germline): Pathogenic. Review status: criteria provided, single submitter (1 of 4 stars). 2 submissions from 2 submitters: Pathogenic (1). 1 of the submissions does not count toward it. Last evaluated 2023-09-16.

Conditions:
Baraitser-Winter syndrome 1 (BRWS1). Also called: BARAITSER-WINTER SYNDROME 1, ATYPICAL; PACHYGYRIA, MENTAL RETARDATION, EPILEPSY, AND CHARACTERISTIC FACIES; MENTAL RETARDATION WITH EPILEPSY AND CHARACTERISTIC FACIES; Cerebrofrontofacial syndrome. Identifiers: Orphanet 2649, Orphanet 2995, MedGen C1855722, MONDO:0009470, OMIM 243310.

Submissions (2):

GeneDx
Classification: Pathogenic. Last evaluated: 2023-09-16. Review status: criteria provided, single submitter. Criteria: GeneDx Variant Classification Process June 2021. Collection method: clinical testing. Allele origin: germline. Affected: yes.
Comment: Canonical splice site variant predicted to result in a null allele in a gene for which loss of function is a known mechanism of disease; Not observed at significant frequency in large population cohorts (gnomAD); Has not been previously published as pathogenic or benign to our knowledge

Division of Human Genetics, Children's Hospital of Philadelphia
Classification: Uncertain significance for Baraitser-Winter syndrome 1. Last evaluated: 2015-05-07. Review status: no assertion criteria provided. Collection method: research. Allele origin: unknown. Affected: yes. Study: CSER-PediSeq. Not counted in ClinVar's aggregate classification.
Comment: The heterozygous variant in the ACTB gene (c.123+1G>A) is considered a variant od uncertain significance. This variant has not been previously published and is not seen in the ExAC database, also there are no LOF variants for this gene in the ExAC database. The nucleotide position is highly conserved and part of a splice site with computational splice site predictors (SpliceSiteFinder-like, MaxEntScan, NNSplice, GeneSplicer, Human Splicing Finder) predicting a loss of the splice site.